The following is an entry in ClinVar:

NM_024426.6(WT1):c.429C>A (p.Ser143=)

Genes: WT1 (WT1 transcription factor; minus strand), LOC107982234 (WT1/WT1-AS bi-directional promoter region; plus strand). Cytogenetic location: 11p13.
Variant type: single nucleotide variant.
Coding change: c.429C>A on transcript NM_024426.6 (MANE Select); coding-DNA position 429, C replaced by A.
Protein change: p.Ser143=; no amino-acid change (serine 143 retained).
Molecular consequence: synonymous variant. On other transcripts: non-coding transcript variant (2).
Genome position (GRCh38, 1-based): chr11:32,434,932, G>T on the plus strand (C>A on the coding strand, the complement: WT1 is on the minus strand). VCF-style: chr11-32434932-G-T. GRCh37 (hg19) VCF-style: chr11-32456478-G-T.
Other names: c.429C>A, p.Ser143= (NM_000378.6, NM_001407044.1, NM_001407045.1 and 6 more transcripts); c.210C>A, p.Ser70= (NM_001429031.1, NM_001429032.1, NM_001429033.1 and 1 more transcripts).
Identifiers: ClinVar variation 3343536 (VCV003343536.1).
Genomic context (GRCh38, chr11:32,434,932, plus strand): 5'-GCTCAGGCACTGCTCCTCGTGCGGCTCCGCGCCGCCCCAGCTCGGCTCCTGTTTGATGAA[G>T]GAGTGAGGCGGCGGCGGCGGGGGTGGCGGCGGAGCCGGTGGCGGCGCGGGGCCGCCCAAC-3'
Protein context (NP_077744.4, residues 133-153): PPPPPPPPPH[Ser143=]FIKQEPSWGG

ClinVar aggregate classification (germline): Uncertain significance (1 of 4 stars; one submission).

gnomAD v4.1: 2 of 1,597,140 alleles (0.00013%); highest among the groups gnomAD compares: Non-Finnish European, 0.00017%; no homozygotes.

Submission:

GeneDx
Classification: Uncertain significance. Last evaluated: 2023-05-16. Review status: criteria provided, single submitter. Criteria: GeneDx Variant Classification Process June 2021. Collection method: clinical testing. Allele origin: germline. Affected: yes.
Comment: Not observed at significant frequency in large population cohorts (gnomAD); In silico analysis supports that this variant does not alter splicing; Has not been previously published as pathogenic or benign to our knowledge